The following is an entry in ClinVar:

NM_000216.4(ANOS1):c.834_835del (p.Ser278fs)

Gene: ANOS1 (anosmin 1; minus strand). Cytogenetic location: Xp22.31.
Variant type: Deletion.
Coding change: c.834_835del on transcript NM_000216.4 (MANE Select); coding-DNA positions 834 to 835, 2 bases deleted (CA; older notation c.834_835delCA).
Protein change: p.Ser278fs; shifts the reading frame from serine 278.
Molecular consequence: frameshift variant.
Genome position (GRCh38, 1-based): chrX:8,585,288-8,585,289, TG deleted on the plus strand (CA on the coding strand, the reverse complement: ANOS1 is on the minus strand). VCF-style (leftmost placement, unchanged base first): chrX-8585287-TTG-T. GRCh37 (hg19) VCF-style: chrX-8553328-TTG-T.
Other names: short protein forms S278fs.
Identifiers: ClinVar variation 2111911 (VCV002111911.4), dbSNP rs2518492806, ClinGen allele CA2580101967.

ClinVar aggregate classification (germline): Pathogenic (1 of 4 stars; one submission).

Conditions:
Hypogonadotropic hypogonadism 1 with or without anosmia (HH1). Also called: Kallmann syndrome, type 1, X-linked; DYSPLASIA OLFACTOGENITALIS OF DE MORSIER; HYPOGONADOTROPIC HYPOGONADISM 1 WITH ANOSMIA; HYPOGONADOTROPIC HYPOGONADISM AND ANOSMIA; KAL1-Related GnRH Deficiency (Kallmann Syndrome 1; Kallmann Syndrome, X-Linked); Hypogonadotropic hypogonadism 1 with or without anosmia (Kallmann syndrome 1). Identifiers: Orphanet 478, MedGen C1563719, MONDO:0010635, OMIM 308700. Disease mechanism: loss of function.

Submission:

Labcorp Genetics (formerly Invitae), Labcorp
Classification: Pathogenic for Hypogonadotropic hypogonadism 1 with or without anosmia. Last evaluated: 2022-03-14. Review status: criteria provided, single submitter. Criteria: Invitae Variant Classification Sherloc (09022015). Collection method: clinical testing. Allele origin: germline.
Comment: For these reasons, this variant has been classified as Pathogenic. This variant has not been reported in the literature in individuals affected with ANOS1-related conditions. This variant is not present in population databases (gnomAD no frequency). This sequence change creates a premature translational stop signal (p.Ser278Argfs*17) in the ANOS1 gene. It is expected to result in an absent or disrupted protein product. Loss-of-function variants in ANOS1 are known to be pathogenic (PMID: 8504298, 11297579).

Literature cited by the submitters: PubMed 8504298; PubMed 11297579.